The following is an entry in ClinVar:

ClinVar aggregate classification (germline): Uncertain significance (1 of 4 stars; one submission).

Conditions:
Cortical dysplasia-focal epilepsy syndrome (PTHSL1). Also called: Pitt-Hopkins-like syndrome 1. Identifiers: Orphanet 163681, Orphanet 221150, MedGen C2750246, MONDO:0012400, OMIM 610042.

Allele frequency attached by ClinVar (database versions not stated): TOPMed below 0.00001; gnomAD 0.00001.
gnomAD v4.1: 2 of 1,613,786 alleles (0.00012%); highest among the groups gnomAD compares: Non-Finnish European, 0.000085%; no homozygotes.

Submission:

Labcorp Genetics (formerly Invitae), Labcorp
Classification: Uncertain significance for Cortical dysplasia-focal epilepsy syndrome. Last evaluated: 2020-02-17. Review status: criteria provided, single submitter. Criteria: Invitae Variant Classification Sherloc (09022015). Collection method: clinical testing. Allele origin: germline.
Comment: This sequence change replaces threonine with isoleucine at codon 263 of the CNTNAP2 protein (p.Thr263Ile). The threonine residue is moderately conserved and there is a moderate physicochemical difference between threonine and isoleucine. This variant is not present in population databases (ExAC no frequency). This variant has not been reported in the literature in individuals with CNTNAP2-related conditions. Algorithms developed to predict the effect of missense changes on protein structure and function are either unavailable or do not agree on the potential impact of this missense change (SIFT: "Deleterious"; PolyPhen-2: "Benign"; Align-GVGD: "Class C0"). In summary, the available evidence is currently insufficient to determine the role of this variant in disease. Therefore, it has been classified as a Variant of Uncertain Significance.

NM_014141.6(CNTNAP2):c.788C>T (p.Thr263Ile)

Gene: CNTNAP2 (contactin associated protein 2; plus strand). Cytogenetic location: 7q35.
Variant type: single nucleotide variant.
Coding change: c.788C>T on transcript NM_014141.6 (MANE Select); coding-DNA position 788, C replaced by T.
Protein change: p.Thr263Ile; replaces threonine 263 with isoleucine.
Molecular consequence: missense variant.
Genome position (GRCh38, 1-based): chr7:147,121,012, C>T. VCF-style: chr7-147121012-C-T. GRCh37 (hg19) VCF-style: chr7-146818104-C-T.
Other names: short protein forms T263I.
Identifiers: ClinVar variation 958615 (VCV000958615.10), dbSNP rs200933217, ClinGen allele CA168689473.